The following is an entry in ClinVar:

NM_000088.4(COL1A1):c.1615-1G>A

Gene: COL1A1 (collagen type I alpha 1 chain; minus strand). Cytogenetic location: 17q21.33.
Variant type: single nucleotide variant.
Coding change: c.1615-1G>A on transcript NM_000088.4 (MANE Select); the canonical splice acceptor site of the intron before coding-DNA position 1615, G replaced by A.
Molecular consequence: splice acceptor variant.
Genome position (GRCh38, 1-based): chr17:50,194,184, C>T on the plus strand (G>A on the coding strand, the complement: COL1A1 is on the minus strand). VCF-style: chr17-50194184-C-T. GRCh37 (hg19) VCF-style: chr17-48271545-C-T.
Identifiers: ClinVar variation 2134495 (VCV002134495.4), dbSNP rs2509217431, ClinGen allele CA400216155.

ClinVar aggregate classification (germline): Pathogenic (1 of 4 stars; one submission).

Conditions:
Osteogenesis imperfecta type I (OI1). Also called: OI, TYPE I; OSTEOGENESIS IMPERFECTA TARDA; OSTEOGENESIS IMPERFECTA WITH BLUE SCLERAE; Osteogenesis imperfecta type 1; Lobstein disease; Lobstein's Disease. Identifiers: Orphanet 216796, Orphanet 666, MedGen C0023931, MONDO:0008146, OMIM 166200. Disease mechanism: loss of function.

Submission:

Labcorp Genetics (formerly Invitae), Labcorp
Classification: Pathogenic for Osteogenesis imperfecta type I. Last evaluated: 2025-06-06. Review status: criteria provided, single submitter. Criteria: Invitae Variant Classification Sherloc (09022015). Collection method: clinical testing. Allele origin: germline.
Comment: This sequence change affects an acceptor splice site in intron 23 of the COL1A1 gene. It is expected to disrupt RNA splicing. Variants that disrupt the donor or acceptor splice site typically lead to a loss of protein function (PMID: 16199547), and loss-of-function variants in COL1A1 are known to be pathogenic (PMID: 7942841, 9295084, 9443882). This variant is not present in population databases (gnomAD no frequency). Disruption of this splice site has been observed in individuals with clinical features of osteogenesis imperfecta (PMID: 25963598; internal data). ClinVar contains an entry for this variant (Variation ID: 2134495). Algorithms developed to predict the effect of sequence changes on RNA splicing suggest that this variant may disrupt the consensus splice site. For these reasons, this variant has been classified as Pathogenic.

Literature cited by the submitters: PubMed 16199547; PubMed 7942841; PubMed 9295084; PubMed 9443882; PubMed 25963598.